The following is an entry in ClinVar:

NM_015474.4(SAMHD1):c.626-1G>C

Gene: SAMHD1 (SAM and HD domain containing deoxynucleoside triphosphate triphosphohydrolase 1; minus strand). Cytogenetic location: 20q11.23.
Variant type: single nucleotide variant.
Coding change: c.626-1G>C on transcript NM_015474.4 (MANE Select); the canonical splice acceptor site of the intron before coding-DNA position 626, G replaced by C.
Molecular consequence: splice acceptor variant.
Genome position (GRCh38, 1-based): chr20:36,927,253, C>G on the plus strand (G>C on the coding strand, the complement: SAMHD1 is on the minus strand). VCF-style: chr20-36927253-C-G. GRCh37 (hg19) VCF-style: chr20-35555656-C-G.
Other names: c.626-1G>C (NM_001363729.2, NM_001363733.2, NM_015474.3).
Identifiers: ClinVar variation 1500266 (VCV001500266.31), dbSNP rs2146127849, ClinGen allele CA408821735.

ClinVar aggregate classification (germline): Pathogenic/Likely pathogenic. Review status: criteria provided, multiple submitters, no conflicts (2 of 4 stars). 5 submissions from 5 submitters: Pathogenic (4); Likely pathogenic (1). Last evaluated 2026-01-12.

Conditions:
Aicardi-Goutieres syndrome 5. Identifiers: Orphanet 51, MedGen C2749659, MONDO:0013059, OMIM 612952.
Chilblain lupus 2 (CHBL2). Identifiers: MedGen C3280721, MONDO:0013739, OMIM 614415.
SAMHD1-related disorder. Also called: SAMHD1-related condition.
Aicardi Goutieres syndrome (AGS). Also called: Encephalopathy, familial infantile, with calcification of basal ganglia and chronic cerebrospinal fluid lymphocytosis. Identifiers: Orphanet 51, MedGen C0393591, MONDO:0018866.

Allele frequency attached by ClinVar (database versions not stated): gnomAD exomes below 0.00001.
gnomAD v4.1: 3 of 1,612,886 alleles (0.00019%); highest among the groups gnomAD compares: Non-Finnish European, 0.00025%; no homozygotes.

Submissions (5):

Labcorp Genetics (formerly Invitae), Labcorp
Classification: Likely pathogenic for Aicardi-Goutieres syndrome 5. Last evaluated: 2026-01-12. Review status: criteria provided, single submitter. Criteria: Invitae Variant Classification Sherloc (09022015). Collection method: clinical testing. Allele origin: germline.
Comment: This sequence change affects an acceptor splice site in intron 5 of the SAMHD1 gene. RNA analysis indicates that disruption of this splice site induces altered splicing and may result in an absent or altered protein product. This variant is not present in population databases (gnomAD no frequency). Disruption of this splice site has been observed in individual(s) with clinical features of Aicardi-Goutieres syndrome (PMID: 24989684). ClinVar contains an entry for this variant (Variation ID: 1500266). Studies have shown that disruption of this splice site results in activation of a cryptic splice site, and produces a non-functional protein and/or introduces a premature termination codon (PMID: 24989684). In summary, the currently available evidence indicates that the variant is pathogenic, but additional data are needed to prove that conclusively. Therefore, this variant has been classified as Likely Pathogenic.

Natera, Inc.
Classification: Pathogenic for Aicardi-Goutieres syndrome. Last evaluated: 2025-01-02. Review status: criteria provided, single submitter. Criteria: Natera Variant Classification Schema (03/2026). Collection method: clinical testing. Allele origin: germline.
Comment: The c.626-1G>C variant in SAMHD1 is a canonical splice acceptor site variant predicted to affect pre-mRNA splicing, which may result in an abnormal transcript and altered protein product. This variant is expected to result in nonsense mediated decay, truncation, or a dysfunctional protein product. This variant is rare in the general population with a frequency below the threshold expected for the associated phenotype(s). This variant has been observed in one or more individuals affected with the associated recessive disease, as either homozygous or compound heterozygous with a second variant (PMID: 24989684). Functional studies show that this variant may disrupt protein function (PMID: 24989684). Given the available evidence, this variant is classified as Pathogenic.

Blueprint Genetics
Classification: Pathogenic for SAMHD1-related disorders. Last evaluated: 2024-04-18. Review status: criteria provided, single submitter. Criteria: ACMG Guidelines, 2015. Collection method: clinical testing. Allele origin: germline. Affected: yes. Observed: 5 variant alleles.

Fulgent Genetics
Classification: Pathogenic for Aicardi-Goutieres syndrome 5; Chilblain lupus 2. Last evaluated: 2024-03-09. Review status: criteria provided, single submitter. Criteria: ACMG Guidelines, 2015. Collection method: clinical testing. Allele origin: germline.

CeGaT Center for Human Genetics Tuebingen
Classification: Pathogenic. Last evaluated: 2024-01-01. Review status: criteria provided, single submitter. Criteria: CeGaT Center For Human Genetics Tuebingen Variant Classification Criteria Version 2. Collection method: clinical testing. Allele origin: germline. Affected: yes. Observed: 1 variant allele.
Comment: SAMHD1: PVS1, PM2, PM3:Supporting, PS3:Supporting

Literature cited by the submitters: PubMed 24989684 (cited by Labcorp Genetics (formerly Invitae), Labcorp and Natera, Inc.).